The following is an entry in ClinVar:

ClinVar aggregate classification (germline): Uncertain significance (1 of 4 stars; one submission).

Conditions:
Neurofibromatosis, type 1 (NF1). Also called: VON RECKLINGHAUSEN DISEASE; NEUROFIBROMATOSIS, TYPE I, SOMATIC; Peripheral type neurofibromatosis; Neurofibromatosis, type I. Identifiers: Orphanet 636, MedGen C0027831, MONDO:0018975, OMIM 162200. Disease mechanism: loss of function.

Submission:

Labcorp Genetics (formerly Invitae), Labcorp
Classification: Uncertain significance for Neurofibromatosis, type 1. Last evaluated: 2025-12-17. Review status: criteria provided, single submitter. Criteria: Invitae Variant Classification Sherloc (09022015). Collection method: clinical testing. Allele origin: germline.
Comment: This sequence change replaces isoleucine, which is neutral and non-polar, with arginine, which is basic and polar, at codon 1424 of the NF1 protein (p.Ile1424Arg). This variant is not present in population databases (gnomAD no frequency). This variant has not been reported in the literature in individuals affected with NF1-related conditions. ClinVar contains an entry for this variant (Variation ID: 656881). An algorithm developed to predict the effect of missense changes on protein structure and function (PolyPhen-2) suggests that this variant is likely to be tolerated. In summary, the available evidence is currently insufficient to determine the role of this variant in disease. Therefore, it has been classified as a Variant of Uncertain Significance.

NM_001042492.3(NF1):c.4334T>G (p.Ile1445Arg)

Gene: NF1 (neurofibromin 1; plus strand). Cytogenetic location: 17q11.2.
Variant type: single nucleotide variant.
Coding change: c.4334T>G on transcript NM_001042492.3 (MANE Select); coding-DNA position 4334, T replaced by G.
Protein change: p.Ile1445Arg; replaces isoleucine 1445 with arginine.
Molecular consequence: missense variant.
Genome position (GRCh38, 1-based): chr17:31,259,033, T>G. VCF-style: chr17-31259033-T-G. GRCh37 (hg19) VCF-style: chr17-29586051-T-G.
Other names: c.4271T>G, p.Ile1424Arg (NM_000267.4); short protein forms I1424R, I1445R.
Identifiers: ClinVar variation 656881 (VCV000656881.7), dbSNP rs1597745565, ClinGen allele CA398998682.